The following is an entry in ClinVar:

NM_000474.4(TWIST1):c.223G>T (p.Gly75Cys)

Gene: TWIST1 (twist family bHLH transcription factor 1; minus strand). Cytogenetic location: 7p21.1.
Variant type: single nucleotide variant.
Coding change: c.223G>T on transcript NM_000474.4 (MANE Select); coding-DNA position 223, G replaced by T.
Protein change: p.Gly75Cys; replaces glycine 75 with cysteine.
Molecular consequence: missense variant. On other transcripts: non-coding transcript variant (1).
Genome position (GRCh38, 1-based): chr7:19,117,099, C>A on the plus strand (G>T on the coding strand, the complement: TWIST1 is on the minus strand). VCF-style: chr7-19117099-C-A. GRCh37 (hg19) VCF-style: chr7-19156722-C-A.
Other names: short protein forms G75C.
Identifiers: ClinVar variation 3900079 (VCV003900079.1).

ClinVar aggregate classification (germline): Uncertain significance (1 of 4 stars; one submission).

Submission:

GeneDx
Classification: Uncertain significance. Last evaluated: 2024-11-26. Review status: criteria provided, single submitter. Criteria: GeneDx Variant Classification Process June 2021. Collection method: clinical testing. Allele origin: germline. Affected: yes.
Comment: Not observed at significant frequency in large population cohorts (gnomAD); In silico analysis indicates that this missense variant does not alter protein structure/function; Has not been previously published as pathogenic or benign to our knowledge